The following is an entry in ClinVar:

ClinVar aggregate classification (germline): Conflicting classifications of pathogenicity. Review status: criteria provided, conflicting classifications (1 of 4 stars). 3 submissions from 3 submitters: Uncertain significance (1); Likely benign (2). Last evaluated 2026-02-03.

Conditions:
SIX5-related disorder. Also called: SIX5-related condition.

Allele frequency attached by ClinVar (database versions not stated): TOPMed below 0.00001; gnomAD 0.00001.
gnomAD v4.1: 7 of 1,508,008 alleles (0.00046%); highest among the groups gnomAD compares: Admixed American, 0.01%; no homozygotes.

Submissions (3):

Labcorp Genetics (formerly Invitae), Labcorp
Classification: Likely benign. Last evaluated: 2026-02-03. Review status: criteria provided, single submitter. Criteria: Invitae Variant Classification Sherloc (09022015). Collection method: clinical testing. Allele origin: germline.

PreventionGenetics, part of Exact Sciences
Classification: Likely benign for SIX5-related condition. Last evaluated: 2025-09-23. Review status: criteria provided, single submitter. Criteria: ACMG Guidelines, 2015. Collection method: clinical testing. Allele origin: germline.
Comment: This variant is classified as likely benign based on ACMG/AMP sequence variant interpretation guidelines (Richards et al. 2015 PMID: 25741868, with internal and published modifications).

Blueprint Genetics
Classification: Uncertain significance. Last evaluated: 2018-07-27. Review status: criteria provided, single submitter. Criteria: ACMG Guidelines, 2015. Collection method: clinical testing. Allele origin: germline.

NM_175875.5(SIX5):c.111G>A (p.Gln37=)

Genes: DM1-AS (DM1 locus antisense RNA; plus strand), SIX5 (SIX homeobox 5; minus strand), LOC107075317 (origin of replication in DMPK trinucleotide repeat region; plus strand), LOC129929037 (ATAC-STARR-seq lymphoblastoid silent region 10794; plus strand). Cytogenetic location: 19q13.32.
Variant type: single nucleotide variant.
Coding change: c.111G>A on transcript NM_175875.5 (MANE Select); coding-DNA position 111, G replaced by A.
Protein change: p.Gln37=; no amino-acid change (glutamine 37 retained).
Molecular consequence: synonymous variant.
Genome position (GRCh38, 1-based): chr19:45,768,734, C>T on the plus strand (G>A on the coding strand, the complement: SIX5 is on the minus strand). VCF-style: chr19-45768734-C-T. GRCh37 (hg19) VCF-style: chr19-46271992-C-T.
Other names: c.111G>A (NM_175875.4).
Identifiers: ClinVar variation 1621771 (VCV001621771.12), dbSNP rs1426886584, ClinGen allele CA507961960.